The following is an entry in ClinVar:

ClinVar aggregate classification (germline): Uncertain significance. Review status: criteria provided, multiple submitters, no conflicts (2 of 4 stars). 5 submissions from 5 submitters: Uncertain significance (5). Last evaluated 2025-11-05.

Conditions:
Proteinuria, chronic benign. Identifiers: MedGen C5394384, MONDO:0030042, OMIM 618884.
Imerslund-Grasbeck syndrome type 1 (IGS1). Also called: Megaloblastic anemia 1, Finnish type; Imerslund-Gräsbeck syndrome 1; MEGALOBLASTIC ANEMIA, 1. Identifiers: MedGen C4016819, MONDO:0100156, OMIM 261100.
Inborn genetic diseases. Identifiers: MedGen C0950123, MeSH D030342.
Imerslund-Grasbeck syndrome. Also called: ENTEROCYTE COBALAMIN MALABSORPTION; ENTEROCYTE INTRINSIC FACTOR RECEPTOR, DEFECT OF; PERNICIOUS ANEMIA, JUVENILE, DUE TO SELECTIVE INTESTINAL MALABSORPTION OF VITAMIN B12, WITH PROTEINURIA; Imerslund-Gräsbeck syndrome; Megaloblastic anemia due to inborn errors of metabolism. Identifiers: Orphanet 35858, MedGen C4551825, MONDO:0009853.

Allele frequency attached by ClinVar (database versions not stated): gnomAD exomes 0.00002 and 0.00007; ExAC 0.00008; 1000 Genomes Project 30x 0.00016; gnomAD 0.00017 and 0.00018; 1000 Genomes Project 0.00020; TOPMed 0.00028; ESP Exome Variant Server 0.00054.
gnomAD v4.1: 63 of 1,614,128 alleles (0.0039%); highest among the groups gnomAD compares: African/African-American, 0.075%; no homozygotes.

Submissions (5):

Ambry Genetics
Classification: Uncertain significance for Inborn genetic diseases. Last evaluated: 2025-11-05. Review status: criteria provided, single submitter. Criteria: Ambry Variant Classification Scheme 2023. Collection method: clinical testing. Allele origin: germline.

Labcorp Genetics (formerly Invitae), Labcorp
Classification: Uncertain significance for Imerslund-Grasbeck syndrome. Last evaluated: 2024-11-11. Review status: criteria provided, single submitter. Criteria: Invitae Variant Classification Sherloc (09022015). Collection method: clinical testing. Allele origin: germline.
Comment: This sequence change replaces glycine, which is neutral and non-polar, with aspartic acid, which is acidic and polar, at codon 2695 of the CUBN protein (p.Gly2695Asp). This variant is present in population databases (rs142667203, gnomAD 0.08%). This variant has not been reported in the literature in individuals affected with CUBN-related conditions. ClinVar contains an entry for this variant (Variation ID: 1403720). Invitae Evidence Modeling of protein sequence and biophysical properties (such as structural, functional, and spatial information, amino acid conservation, physicochemical variation, residue mobility, and thermodynamic stability) indicates that this missense variant is not expected to disrupt CUBN protein function with a negative predictive value of 80%. In summary, the available evidence is currently insufficient to determine the role of this variant in disease. Therefore, it has been classified as a Variant of Uncertain Significance.

Fulgent Genetics
Classification: Uncertain significance for Imerslund-Grasbeck syndrome type 1; Proteinuria, chronic benign. Last evaluated: 2024-03-28. Review status: criteria provided, single submitter. Criteria: ACMG Guidelines, 2015. Collection method: clinical testing. Allele origin: germline.

Blueprint Genetics
Classification: Uncertain significance. Last evaluated: 2023-06-20. Review status: criteria provided, single submitter. Criteria: ACMG Guidelines, 2015. Collection method: clinical testing. Allele origin: germline.

New York Genome Center
Classification: Uncertain significance for Imerslund-Grasbeck syndrome type 1. Last evaluated: 2021-08-12. Review status: criteria provided, single submitter. Criteria: NYGC Assertion Criteria 2020. Collection method: clinical testing. Allele origin: inherited. Observed: 1 compound heterozygote. Study: CSER-NYCKidSeq.
Comment: The inherited c.8084G>A (p.Gly2695Asp) variant in CUBN has not been reported in the literature in individuals affected with Imerslund-Grasbeck syndrome 1. This variant has 0.0001709 allele frequency in gnomAD(v3) database (26 out of 281,724 heterozygous alleles, no homozygotes) suggesting it is not a common benign variant in the populations represented in that database. This variant affects evolutionarily conserved residues. In silico prediction tools provide conflicting predictions about potential pathogenicity. Based on the available evidence, the inherited c.8084G>A (p.Gly2695Asp) variant in CUBN is reported as a Variant of Uncertain Significance.

NM_001081.4(CUBN):c.8084G>A (p.Gly2695Asp)

Gene: CUBN (cubilin; minus strand). Cytogenetic location: 10p13.
Variant type: single nucleotide variant.
Coding change: c.8084G>A on transcript NM_001081.4 (MANE Select); coding-DNA position 8084, G replaced by A.
Protein change: p.Gly2695Asp; replaces glycine 2695 with aspartic acid.
Molecular consequence: missense variant.
Genome position (GRCh38, 1-based): chr10:16,901,438, C>T on the plus strand (G>A on the coding strand, the complement: CUBN is on the minus strand). VCF-style: chr10-16901438-C-T. GRCh37 (hg19) VCF-style: chr10-16943437-C-T.
Other names: short protein forms G2695D.
Identifiers: ClinVar variation 1403720 (VCV001403720.11), dbSNP rs142667203, ClinGen allele CA5423126.
Genomic context (GRCh38, chr10:16,901,438, plus strand): 5'-CAGTGGGTCAGGCTGTCATAAGCATTTGGATAGTTGGGGCTTGTGATCACTCCACTGTCA[C>T]CTATCTGTATTCCGCCACAATCTGAAATGAGATTGGTAACCCTCTCAATAAAACAGAAGT-3'
Protein context (NP_001072.2, residues 2685-2705): SFTDCGGIQI[Gly2695Asp]DSGVITSPNY